The following is an entry in ClinVar:

ClinVar aggregate classification (germline): Uncertain significance (1 of 4 stars; one submission).

Allele frequency attached by ClinVar (database versions not stated): gnomAD exomes below 0.00001; gnomAD 0.00001; TOPMed 0.00001.

Submission:

Labcorp Genetics (formerly Invitae), Labcorp
Classification: Uncertain significance. Last evaluated: 2023-06-30. Review status: criteria provided, single submitter. Criteria: Invitae Variant Classification Sherloc (09022015). Collection method: clinical testing. Allele origin: germline.
Comment: In summary, the available evidence is currently insufficient to determine the role of this variant in disease. Therefore, it has been classified as a Variant of Uncertain Significance. An algorithm developed to predict the effect of missense changes on protein structure and function (PolyPhen-2) suggests that this variant is likely to be disruptive. ClinVar contains an entry for this variant (Variation ID: 1722115). This variant has not been reported in the literature in individuals affected with MCM3AP-related conditions. This variant is present in population databases (no rsID available, gnomAD 0.01%). This sequence change replaces proline, which is neutral and non-polar, with arginine, which is basic and polar, at codon 1264 of the MCM3AP protein (p.Pro1264Arg).

NM_003906.5(MCM3AP):c.3791C>G (p.Pro1264Arg)

Gene: MCM3AP (minichromosome maintenance complex component 3 associated protein; minus strand). Cytogenetic location: 21q22.3.
Variant type: single nucleotide variant.
Coding change: c.3791C>G on transcript NM_003906.5 (MANE Select); coding-DNA position 3791, C replaced by G.
Protein change: p.Pro1264Arg; replaces proline 1264 with arginine.
Molecular consequence: missense variant.
Genome position (GRCh38, 1-based): chr21:46,256,930, G>C on the plus strand (C>G on the coding strand, the complement: MCM3AP is on the minus strand). VCF-style: chr21-46256930-G-C. GRCh37 (hg19) VCF-style: chr21-47676844-G-C.
Other names: short protein forms P1264R.
Identifiers: ClinVar variation 1722115 (VCV001722115.5), dbSNP rs985909593, ClinGen allele CA321983821.
Genomic context (GRCh38, chr21:46,256,930, plus strand): 5'-TCTGCGCTGGGCGCCAGCGCCCTCAGCCGGTCGCTCACGTCCACGCAGCAGGGCGCAGCA[G>C]GGAAAGCCCGCATTTGGCGCCTCAGTTTCTTGCGGGCTGTGACAGCTTCCCTCCACCTGG-3'
Protein context (NP_003897.2, residues 1254-1274): KKLRRQMRAF[Pro1264Arg]AAPCCVDVSD